The following is an entry in ClinVar:

ClinVar aggregate classification (germline): Conflicting classifications of pathogenicity. Review status: criteria provided, conflicting classifications (1 of 4 stars). 4 submissions from 3 submitters: Likely pathogenic (2); Uncertain significance (2). Last evaluated 2025-11-25.

Conditions:
Cystic fibrosis (CF). Also called: MUCOVISCIDOSIS. Identifiers: Orphanet 586, MedGen C0010674, MONDO:0009061, OMIM 219700. Disease mechanism: loss of function.
Congenital bilateral aplasia of vas deferens from CFTR mutation (CBAVD). Identifiers: Orphanet 48, MedGen C0403814, MONDO:0010178, OMIM 277180. Disease mechanism: loss of function.
Bronchiectasis with or without elevated sweat chloride 1 (BESC1). Also called: Cystic Fibrosis-Like Syndrome. Identifiers: Orphanet 60033, MedGen C2749757, MONDO:0008887, OMIM 211400.

Allele frequency attached by ClinVar (database versions not stated): gnomAD exomes 0.00001 and below 0.00001; ExAC 0.00001.
gnomAD v4.1: 2 of 1,614,030 alleles (0.00012%); highest among the groups gnomAD compares: South Asian, 0.0011%; no homozygotes.

Submissions (4):

Ambry Genetics
Classification: Uncertain significance for Cystic fibrosis. Last evaluated: 2025-11-25. Review status: criteria provided, single submitter. Criteria: Ambry Variant Classification Scheme 2023. Collection method: clinical testing. Allele origin: germline.
Comment: The p.R709Q variant (also known as c.2126G>A), located in coding exon 14 of the CFTR gene, results from a G to A substitution at nucleotide position 2126. The arginine at codon 709 is replaced by glutamine, an amino acid with highly similar properties. In a study of Czech cystic fibrosis patients, this alteration was found to be in cis with p.E292K in four unrelated families. In one patient, the E292K-R709Q complex allele was descried to be in trans with a pathogenic mutation in CFTR (Kenkov&aacute; P et al. J. Cyst. Fibros., 2013 Sep;12:532-7). In an assay testing CFTR function, this variant showed a functionally abnormal result (Bihler H et al. J Cyst Fibros, 2024 Jul;23:664-675). This amino acid position is well conserved in available vertebrate species. In addition, this alteration is predicted to be deleterious by in silico analysis. Based on the available evidence, the clinical significance of this variant remains unclear.

Women's Health and Genetics/Laboratory Corporation of America, LabCorp
Classification: Uncertain significance. Last evaluated: 2025-06-16. Review status: criteria provided, single submitter. Criteria: LabCorp Variant Classification Summary - May 2015. Collection method: clinical testing. Allele origin: germline.
Comment: Variant summary: CFTR c.2126G>A (p.Arg709Gln) results in a conservative amino acid change located in the CFTR regulator domain (IPR025837) of the encoded protein sequence. Algorithms developed to predict the effect of missense changes on protein structure and function are either unavailable or do not agree on the potential impact of this missense change. The variant allele was found at a frequency of 8e-06 in 250858 control chromosomes. c.2126G>A has been reported in the literature as a complex allele, in cis with c.874G>A (p.Glu292Lys), in individuals affected with Cystic Fibrosis (Krenkova_2013), where the genotype for one affected was provided, who had a pathogenic variant trans in CFTR. This report does not provide unequivocal conclusions about association of the variant with Cystic Fibrosis. At least one publication reports experimental evidence evaluating the variant's impact on protein function in isolation, demonstrating that the variant resulted in approximately 10% of normal chloride channel conductance relative to wild type (e.g. Bihler_2024). The following publications have been ascertained in the context of this evaluation (PMID: 38388235, 23276700). ClinVar contains an entry for this variant (Variation ID: 53441). Based on the evidence outlined above, the variant was classified as VUS-possibly pathogenic.

Baylor Genetics
Classification: Likely pathogenic for Bronchiectasis with or without elevated sweat chloride 1. Last evaluated: 2024-03-25. Review status: criteria provided, single submitter. Criteria: ACMG Guidelines, 2015. Collection method: clinical testing. Allele origin: unknown.

Baylor Genetics
Classification: Likely pathogenic for Congenital bilateral aplasia of vas deferens from CFTR mutation; Cystic fibrosis. Review status: criteria provided, single submitter. Criteria: ACMG Guidelines, 2015. Collection method: clinical testing. Allele origin: germline.

Literature cited by the submitters: PubMed 23276700 (cited by Ambry Genetics and Women's Health and Genetics/Laboratory Corporation of America, LabCorp); PubMed 38388235 (cited by Ambry Genetics and Women's Health and Genetics/Laboratory Corporation of America, LabCorp).

NM_000492.4(CFTR):c.2126G>A (p.Arg709Gln)

Gene: CFTR (CF transmembrane conductance regulator; plus strand). Cytogenetic location: 7q31.2.
Variant type: single nucleotide variant.
Coding change: c.2126G>A on transcript NM_000492.4 (MANE Select); coding-DNA position 2126, G replaced by A.
Protein change: p.Arg709Gln; replaces arginine 709 with glutamine.
Molecular consequence: missense variant.
Genome position (GRCh38, 1-based): chr7:117,592,293, G>A. VCF-style: chr7-117592293-G-A. GRCh37 (hg19) VCF-style: chr7-117232347-G-A.
Other names: short protein forms R709Q.
Identifiers: ClinVar variation 53441 (VCV000053441.8), dbSNP rs397508342, ClinGen allele CA326749.